The following is an entry in ClinVar:

NM_000038.6(APC):c.4177C>G (p.Leu1393Val)

Gene: APC (APC regulator of Wnt signaling pathway; plus strand). Cytogenetic location: 5q22.2.
Variant type: single nucleotide variant.
Coding change: c.4177C>G on transcript NM_000038.6 (MANE Select); coding-DNA position 4177, C replaced by G.
Protein change: p.Leu1393Val; replaces leucine 1393 with valine.
Molecular consequence: missense variant.
Genome position (GRCh38, 1-based): chr5:112,839,771, C>G. VCF-style: chr5-112839771-C-G. GRCh37 (hg19) VCF-style: chr5-112175468-C-G.
Other names: c.4177C>G, p.Leu1393Val (NM_001127510.3, NM_001354895.2); c.4123C>G, p.Leu1375Val (NM_001127511.3); c.4231C>G, p.Leu1411Val (NM_001354896.2); c.4207C>G, p.Leu1403Val (NM_001354897.2); c.4102C>G, p.Leu1368Val (NM_001354898.2); c.4093C>G, p.Leu1365Val (NM_001354899.2); c.4054C>G, p.Leu1352Val (NM_001354900.2); c.4000C>G, p.Leu1334Val (NM_001354901.2); and 5 more; short protein forms L1110V, L1233V, L1267V, L1292V, L1302V, L1334V, L1352V, L1365V.
Identifiers: ClinVar variation 1055864 (VCV001055864.48), dbSNP rs1765620923, ClinGen allele CA16030482.

ClinVar aggregate classification (germline): Uncertain significance (1 of 4 stars; one submission).

Conditions:
Familial adenomatous polyposis 1 (FAP1). Also called: FAMILIAL ADENOMATOUS POLYPOSIS 1, ATTENUATED; POLYPOSIS, ADENOMATOUS INTESTINAL. Identifiers: MedGen C2713442, MONDO:0021056, OMIM 175100. Disease mechanism: loss of function.

Submission:

Labcorp Genetics (formerly Invitae), Labcorp
Classification: Uncertain significance for Familial adenomatous polyposis 1. Last evaluated: 2023-03-26. Review status: criteria provided, single submitter. Criteria: Invitae Variant Classification Sherloc (09022015). Collection method: clinical testing. Allele origin: germline.
Comment: This sequence change replaces leucine, which is neutral and non-polar, with valine, which is neutral and non-polar, at codon 1393 of the APC protein (p.Leu1393Val). This variant is not present in population databases (gnomAD no frequency). In summary, the available evidence is currently insufficient to determine the role of this variant in disease. Therefore, it has been classified as a Variant of Uncertain Significance. Advanced modeling of protein sequence and biophysical properties (such as structural, functional, and spatial information, amino acid conservation, physicochemical variation, residue mobility, and thermodynamic stability) performed at Invitae indicates that this missense variant is not expected to disrupt APC protein function. ClinVar contains an entry for this variant (Variation ID: 1055864). This variant has not been reported in the literature in individuals affected with APC-related conditions.